The following is an entry in ClinVar:

ClinVar aggregate classification (germline): Uncertain significance (1 of 4 stars; one submission).

Submission:

Labcorp Genetics (formerly Invitae), Labcorp
Classification: Uncertain significance. Last evaluated: 2025-03-04. Review status: criteria provided, single submitter. Criteria: Invitae Variant Classification Sherloc (09022015). Collection method: clinical testing. Allele origin: germline.
Comment: This sequence change affects a donor splice site in intron 4 of the ACSL4 gene. It is expected to disrupt RNA splicing. Variants that disrupt the donor or acceptor splice site typically lead to a loss of protein function (PMID: 16199547), however the current clinical and genetic evidence is not sufficient to establish whether loss-of-function variants in ACSL4 cause disease. This variant is not present in population databases (gnomAD no frequency). This variant has not been reported in the literature in individuals affected with ACSL4-related conditions. Algorithms developed to predict the effect of sequence changes on RNA splicing suggest that this variant may disrupt the consensus splice site. In summary, the available evidence is currently insufficient to determine the role of this variant in disease. Therefore, it has been classified as a Variant of Uncertain Significance.

Literature cited by the submitters: PubMed 16199547.

NM_001318510.2(ACSL4):c.406+1G>A

Gene: ACSL4 (acyl-CoA synthetase long chain family member 4; minus strand). Cytogenetic location: Xq23.
Variant type: single nucleotide variant.
Coding change: c.406+1G>A on transcript NM_001318510.2 (MANE Select); the canonical splice donor site of the intron after coding-DNA position 406, G replaced by A.
Molecular consequence: splice donor variant.
Genome position (GRCh38, 1-based): chrX:109,682,718, C>T on the plus strand (G>A on the coding strand, the complement: ACSL4 is on the minus strand). VCF-style: chrX-109682718-C-T. GRCh37 (hg19) VCF-style: chrX-108925947-C-T.
Other names: c.406+1G>A (NM_001437252.1, NM_001437251.1, NM_004458.3 and 2 more transcripts); c.529+1G>A (NM_001437247.1, NM_001437248.1, NM_001437245.1 and 2 more transcripts).
Identifiers: ClinVar variation 4714192 (VCV004714192.1).